The following is an entry in ClinVar:

ClinVar aggregate classification (germline): Uncertain significance. Review status: criteria provided, multiple submitters, no conflicts (2 of 4 stars). 3 submissions from 3 submitters: Uncertain significance (3). Last evaluated 2025-03-17.

Conditions:
RASopathy. Also called: rasopathies; Noonan spectrum disorder. Identifiers: Orphanet 536391, MedGen C5555857, MONDO:0021060.

Allele frequency attached by ClinVar (database versions not stated): gnomAD exomes below 0.00001; ExAC 0.00001.
gnomAD v4.1: 3 of 1,613,342 alleles (0.00019%); highest among the groups gnomAD compares: Non-Finnish European, 0.00025%; no homozygotes.

Submissions (3):

GeneDx
Classification: Uncertain significance. Last evaluated: 2025-03-17. Review status: criteria provided, single submitter. Criteria: GeneDx Variant Classification Process June 2021. Collection method: clinical testing. Allele origin: germline. Affected: yes.
Comment: Missense variants in this gene are a common cause of disease and they are underrepresented in the general population; In silico analysis indicates that this missense variant does not alter protein structure/function; Has not been previously published as pathogenic or benign to our knowledge

Labcorp Genetics (formerly Invitae), Labcorp
Classification: Uncertain significance for RASopathy. Last evaluated: 2024-07-30. Review status: criteria provided, single submitter. Criteria: Invitae Variant Classification Sherloc (09022015). Collection method: clinical testing. Allele origin: germline.
Comment: This sequence change replaces valine, which is neutral and non-polar, with isoleucine, which is neutral and non-polar, at codon 29 of the NRAS protein (p.Val29Ile). This variant is present in population databases (rs772665803, gnomAD 0.0009%). This variant has not been reported in the literature in individuals affected with NRAS-related conditions. ClinVar contains an entry for this variant (Variation ID: 916084). An algorithm developed to predict the effect of missense changes on protein structure and function (PolyPhen-2) suggests that this variant is likely to be disruptive. In summary, the available evidence is currently insufficient to determine the role of this variant in disease. Therefore, it has been classified as a Variant of Uncertain Significance.

Laboratory of Molecular Genetics (Pr. Bezieau's lab), CHU de Nantes
Classification: Uncertain significance. Last evaluated: 2019-05-28. Review status: criteria provided, single submitter. Criteria: ACMG Guidelines, 2015. Collection method: clinical testing. Allele origin: germline. Affected: yes.

NM_002524.5(NRAS):c.85G>A (p.Val29Ile)

Gene: NRAS (NRAS proto-oncogene, GTPase; minus strand). Cytogenetic location: 1p13.2.
Variant type: single nucleotide variant.
Coding change: c.85G>A on transcript NM_002524.5 (MANE Select); coding-DNA position 85, G replaced by A.
Protein change: p.Val29Ile; replaces valine 29 with isoleucine.
Molecular consequence: missense variant.
Genome position (GRCh38, 1-based): chr1:114,716,076, C>T on the plus strand (G>A on the coding strand, the complement: NRAS is on the minus strand). VCF-style: chr1-114716076-C-T. GRCh37 (hg19) VCF-style: chr1-115258697-C-T.
Other names: c.85G>A (NM_002524.3); short protein forms V29I.
Identifiers: ClinVar variation 916084 (VCV000916084.4), dbSNP rs772665803, ClinGen allele CA1020781.